The following is an entry in ClinVar:

ClinVar aggregate classification (germline): Uncertain significance (1 of 4 stars; one submission).

Submission:

GeneDx
Classification: Uncertain significance. Last evaluated: 2019-08-09. Review status: criteria provided, single submitter. Criteria: GeneDx Variant Classification Process June 2021. Collection method: clinical testing. Allele origin: germline. Affected: yes.
Comment: Has not been previously published as pathogenic or benign to our knowledge; Frameshift variant predicted to result in protein truncation or nonsense mediated decay in a gene for which loss-of-function is a known mechanism of disease

NM_016327.3(UPB1):c.807del (p.Ile270fs)

Gene: UPB1 (beta-ureidopropionase 1; plus strand). Cytogenetic location: 22q11.23.
Variant type: Deletion.
Coding change: c.807del on transcript NM_016327.3 (MANE Select); coding-DNA position 807, one base deleted (C; older notation c.807delC).
Protein change: p.Ile270fs; shifts the reading frame from isoleucine 270.
Molecular consequence: frameshift variant.
Genome position (GRCh38, 1-based): chr22:24,520,402, C deleted; the last of 3 consecutive C bases (chr22:24,520,400-24,520,402); deleting any one gives the same sequence. VCF-style (leftmost placement, unchanged base first): chr22-24520399-GC-G. GRCh37 (hg19) VCF-style: chr22-24916367-GC-G.
Other names: short protein forms I270fs.
Identifiers: ClinVar variation 1307807 (VCV001307807.3), dbSNP rs753089725, ClinGen allele CA10153361.